The following is an entry in ClinVar:

ClinVar aggregate classification (germline): Uncertain significance (1 of 4 stars; one submission).

Submission:

Ambry Genetics
Classification: Uncertain significance. Last evaluated: 2025-05-02. Review status: criteria provided, single submitter. Criteria: Ambry Variant Classification Scheme 2023. Collection method: clinical testing. Allele origin: germline.
Comment: The p.K165N variant (also known as c.495G>C), located in coding exon 5 of the ILK gene, results from a G to C substitution at nucleotide position 495. The lysine at codon 165 is replaced by asparagine, an amino acid with similar properties. This amino acid position is conserved. In addition, the in silico prediction for this alteration is inconclusive. Based on the available evidence, the clinical significance of this variant remains unclear.

NM_004517.4(ILK):c.495G>C (p.Lys165Asn)

Genes: ILK (integrin linked kinase; plus strand), TAF10 (TATA-box binding protein associated factor 10; minus strand). Cytogenetic location: 11p15.4.
Variant type: single nucleotide variant.
Coding change: c.495G>C on transcript NM_004517.4 (MANE Select); coding-DNA position 495, G replaced by C.
Protein change: p.Lys165Asn; replaces lysine 165 with asparagine.
Molecular consequence: missense variant. On other transcripts: 3 prime UTR variant (1).
Genome position (GRCh38, 1-based): chr11:6,608,930, G>C. VCF-style: chr11-6608930-G-C. GRCh37 (hg19) VCF-style: chr11-6630161-G-C.
Other names: c.495G>C, p.Lys165Asn (NM_001014794.3, NM_001014795.3); c.398G>C, p.Arg133Thr (NM_001278441.2); c.93G>C, p.Lys31Asn (NM_001278442.2); c.*1992C>G (NM_006284.4); short protein forms K165N, K31N, R133T.
Identifiers: ClinVar variation 4038521 (VCV004038521.1).